The following is an entry in ClinVar:

NM_001042492.3(NF1):c.1371C>A (p.His457Gln)

Gene: NF1 (neurofibromin 1; plus strand). Cytogenetic location: 17q11.2.
Variant type: single nucleotide variant.
Coding change: c.1371C>A on transcript NM_001042492.3 (MANE Select); coding-DNA position 1371, C replaced by A.
Protein change: p.His457Gln; replaces histidine 457 with glutamine.
Molecular consequence: missense variant.
Genome position (GRCh38, 1-based): chr17:31,206,350, C>A. VCF-style: chr17-31206350-C-A. GRCh37 (hg19) VCF-style: chr17-29533368-C-A.
Other names: c.1371C>A, p.His457Gln (NM_000267.4, NM_001128147.3); short protein forms H457Q.
Identifiers: ClinVar variation 480087 (VCV000480087.14), dbSNP rs1318894606, ClinGen allele CA398999791.

ClinVar aggregate classification (germline): Uncertain significance. Review status: criteria provided, multiple submitters, no conflicts (2 of 4 stars). 6 submissions from 5 submitters: Uncertain significance (6). Last evaluated 2023-12-19.

Conditions:
Cardiovascular phenotype. Identifiers: MedGen CN230736.
Hereditary cancer-predisposing syndrome. Also called: Hereditary neoplastic syndrome; Neoplastic Syndromes, Hereditary; Tumor predisposition; Hereditary Cancer Syndrome. Identifiers: Orphanet 140162, MedGen C0027672, MeSH D009386, MONDO:0015356.
Juvenile myelomonocytic leukemia (JMML). Also called: LEUKEMIA, JUVENILE MYELOMONOCYTIC, SOMATIC. Identifiers: Orphanet 86834, MedGen C0349639, MONDO:0011908, OMIM 607785, HP:0012209.
Neurofibromatosis, type 1 (NF1). Also called: VON RECKLINGHAUSEN DISEASE; Peripheral type neurofibromatosis; NEUROFIBROMATOSIS, TYPE I, SOMATIC; Neurofibromatosis, type I. Identifiers: Orphanet 636, MedGen C0027831, MONDO:0018975, OMIM 162200. Disease mechanism: loss of function.

Submissions (6):

Baylor Genetics
Classification: Uncertain significance for Juvenile myelomonocytic leukemia. Last evaluated: 2023-12-19. Review status: criteria provided, single submitter. Criteria: ACMG Guidelines, 2015. Collection method: clinical testing. Allele origin: unknown.

Labcorp Genetics (formerly Invitae), Labcorp
Classification: Uncertain significance for Neurofibromatosis, type 1. Last evaluated: 2023-04-27. Review status: criteria provided, single submitter. Criteria: Invitae Variant Classification Sherloc (09022015). Collection method: clinical testing. Allele origin: germline.
Comment: In summary, the available evidence is currently insufficient to determine the role of this variant in disease. Therefore, it has been classified as a Variant of Uncertain Significance. Advanced modeling of protein sequence and biophysical properties (such as structural, functional, and spatial information, amino acid conservation, physicochemical variation, residue mobility, and thermodynamic stability) has been performed at Invitae for this missense variant, however the output from this modeling did not meet the statistical confidence thresholds required to predict the impact of this variant on NF1 protein function. ClinVar contains an entry for this variant (Variation ID: 480087). This variant has not been reported in the literature in individuals affected with NF1-related conditions. This variant is not present in population databases (gnomAD no frequency). This sequence change replaces histidine, which is basic and polar, with glutamine, which is neutral and polar, at codon 457 of the NF1 protein (p.His457Gln).

Genome-Nilou Lab
Classification: Uncertain significance for Neurofibromatosis, type 1. Last evaluated: 2022-03-15. Review status: criteria provided, single submitter. Criteria: ACMG Guidelines, 2015. Collection method: clinical testing. Allele origin: germline. Affected: no.

Institute for Clinical Genetics, University Hospital TU Dresden, University Hospital TU Dresden
Classification: Uncertain significance. Last evaluated: 2021-11-03. Review status: criteria provided, single submitter. Criteria: ACMG Guidelines, 2015. Collection method: clinical testing. Allele origin: germline.

Ambry Genetics
Classification: Uncertain significance for Cardiovascular phenotype; Hereditary cancer-predisposing syndrome. Last evaluated: 2016-08-26. Review status: criteria provided, single submitter. Criteria: Ambry Variant Classification Scheme 2023. Collection method: clinical testing. Allele origin: germline.

Ambry Genetics
Classification: Uncertain significance for Hereditary cancer-predisposing syndrome. Last evaluated: 2016-01-29. Review status: criteria provided, single submitter. Criteria: Ambry Autosomal Dominant and X-Linked criteria (10/2015). Collection method: clinical testing. Allele origin: germline. Observed: 1 variant allele.
Comment: The p.H457Q variant (also known as c.1371C>A), located in coding exon 12 of the NF1 gene, results from a C to A substitution at nucleotide position 1371. The histidine at codon 457 is replaced by glutamine, an amino acid with highly similar properties. This variant was not reported in population based cohorts in the following databases: Database of Single Nucleotide Polymorphisms (dbSNP), NHLBI Exome Sequencing Project (ESP), and 1000 Genomes Project. In the ESP, this variant was not observed in 6503 samples (13006 alleles) with coverage at this position. To date, this alteration has been detected with an allele frequency of approximately 0.001% (greater than 110000alleles tested) in our clinical cohort.This amino acid position is well conserved in available vertebrate species. In addition, the in silico prediction for this alteration is inconclusive.Since supporting evidence is limited at this time, the clinical significance of this alterationremains unclear.